The following is an entry in ClinVar:

NM_001110556.2(FLNA):c.302A>G (p.Gln101Arg)

Gene: FLNA (filamin A; minus strand). Cytogenetic location: Xq28.
Variant type: single nucleotide variant.
Coding change: c.302A>G on transcript NM_001110556.2 (MANE Select); coding-DNA position 302, A replaced by G.
Protein change: p.Gln101Arg; replaces glutamine 101 with arginine.
Molecular consequence: missense variant.
Genome position (GRCh38, 1-based): chrX:154,370,944, T>C on the plus strand (A>G on the coding strand, the complement: FLNA is on the minus strand). VCF-style: chrX-154370944-T-C. GRCh37 (hg19) VCF-style: chrX-153599312-T-C.
Other names: c.302A>G, p.Gln101Arg (NM_001456.4); short protein forms Q101R.
Identifiers: ClinVar variation 1026472 (VCV001026472.9), dbSNP rs2067801711, ClinGen allele CA415254483.

ClinVar aggregate classification (germline): Uncertain significance (1 of 4 stars; one submission).

Conditions:
Frontometaphyseal dysplasia (FMD1). Identifiers: Orphanet 1826, MedGen C0265293, MONDO:0015942.
Melnick-Needles syndrome (MNS). Also called: MELNICK-NEEDLES OSTEODYSPLASTY; OSTEODYSPLASTY OF MELNICK AND NEEDLES; Melnick-Needles Syndrome (FLNA-MNS). Identifiers: Orphanet 2484, MedGen C0025237, MONDO:0010650, OMIM 309350.
Oto-palato-digital syndrome, type II (OPD2). Also called: FACIOPALATOOSSEOUS SYNDROME; Otopalatodigital Syndrome, Type II; OPD II SYNDROME; Otopalatodigital Syndrome Type 2 (FLNA-OPD2). Identifiers: Orphanet 669, Orphanet 90652, MedGen C1844696, MONDO:0010571, OMIM 304120.
Heterotopia, periventricular, X-linked dominant (PVNH1). Also called: PERIVENTRICULAR NODULAR HETEROTOPIA 1; X-linked periventricular heterotopia; PERIVENTRICULAR NODULAR HETEROTOPIA 4; HETEROTOPIA, PERIVENTRICULAR, 1. Identifiers: Orphanet 2149, Orphanet 82004, MedGen C1848213, MONDO:0010233, OMIM 300049.

Submission:

Labcorp Genetics (formerly Invitae), Labcorp
Classification: Uncertain significance for Oto-palato-digital syndrome, type II; Heterotopia, periventricular, X-linked dominant; Frontometaphyseal dysplasia; Melnick-Needles syndrome. Last evaluated: 2020-03-06. Review status: criteria provided, single submitter. Criteria: Invitae Variant Classification Sherloc (09022015). Collection method: clinical testing. Allele origin: germline.
Comment: In summary, the available evidence is currently insufficient to determine the role of this variant in disease. Therefore, it has been classified as a Variant of Uncertain Significance. Algorithms developed to predict the effect of missense changes on protein structure and function are either unavailable or do not agree on the potential impact of this missense change (SIFT: "Deleterious"; PolyPhen-2: "Possibly Damaging"; Align-GVGD: "Class C0"). This variant has not been reported in the literature in individuals with FLNA-related conditions. This variant is not present in population databases (ExAC no frequency). This sequence change replaces glutamine with arginine at codon 101 of the FLNA protein (p.Gln101Arg). The glutamine residue is highly conserved and there is a small physicochemical difference between glutamine and arginine.